The following is an entry in ClinVar:

ClinVar aggregate classification (germline): Uncertain significance. Review status: criteria provided, multiple submitters, no conflicts (2 of 4 stars). 2 submissions from 2 submitters: Uncertain significance (2). Last evaluated 2022-09-01.

Allele frequency attached by ClinVar (database versions not stated): ExAC 0.00002; gnomAD exomes 0.00002 and 0.00003; gnomAD 0.00004 and 0.00005; TOPMed 0.00004.
gnomAD v4.1: 49 of 1,613,050 alleles (0.003%); highest among the groups gnomAD compares: African/African-American, 0.0053%; no homozygotes.

Submissions (2):

CeGaT Center for Human Genetics Tuebingen
Classification: Uncertain significance. Last evaluated: 2022-09-01. Review status: criteria provided, single submitter. Criteria: CeGaT Center For Human Genetics Tuebingen Variant Classification Criteria Version 2. Collection method: clinical testing. Allele origin: germline. Affected: yes. Observed: 1 variant allele.
Comment: TTN: PM2, BP4

Biesecker Lab/Clinical Genomics Section, National Institutes of Health
Classification: Uncertain significance. Last evaluated: 2013-06-24. Review status: criteria provided, single submitter. Criteria: Ng et al. (Circ Cardiovasc Genet. 2013). Collection method: research. Allele origin: unknown. Observed: 1 variant allele. Study: ClinSeq.
Comment: The study set was not selected for affection status in relation to any cancer. Pathogenicity categories were based on literature curation. See Pubmed ID:23861362 for details.

Medical sequencing

NM_133379.5(TTN):c.15130G>A (p.Glu5044Lys)

Genes: TTN (titin; minus strand), LOC126806432 (CDK7 strongly-dependent group 2 enhancer GRCh37_chr2:179611985-179613184; plus strand). Cytogenetic location: 2q31.2.
Variant type: single nucleotide variant.
Coding change: c.15130G>A on transcript NM_133379.5; coding-DNA position 15130, G replaced by A.
Protein change: p.Glu5044Lys; replaces glutamic acid 5044 with lysine.
Molecular consequence: missense variant. On other transcripts: intron variant (6).
Genome position (GRCh38, 1-based): chr2:178,747,270, C>T on the plus strand (G>A on the coding strand, the complement: TTN is on the minus strand). VCF-style: chr2-178747270-C-T. GRCh37 (hg19) VCF-style: chr2-179611997-C-T.
Other names: c.10223-5349G>A (NM_003319.4); c.10799-5349G>A (NM_133437.4); c.10598-5349G>A (NM_133432.3); c.10360+5854G>A (NM_133378.4); c.10361-5349G>A (NM_001256850.1); c.11312-5349G>A (NM_001267550.2); short protein forms E5044K.
Identifiers: ClinVar variation 192047 (VCV000192047.38), dbSNP rs201766148, ClinGen allele CA238180.